The following is an entry in ClinVar:

ClinVar aggregate classification (germline): Uncertain significance. Review status: criteria provided, multiple submitters, no conflicts (2 of 4 stars). 2 submissions from 2 submitters: Uncertain significance (2). Last evaluated 2026-04-14.

Conditions:
Progressive familial intrahepatic cholestasis type 2. Identifiers: Orphanet 79304, MedGen C3489789, MONDO:0011156, OMIM 601847.
Familial intrahepatic cholestasis. Identifiers: Orphanet 284385, MedGen CN296401, MONDO:0017290.

Submissions (2):

Genomenon, Inc
Classification: Uncertain significance for Familial intrahepatic cholestasis. Last evaluated: 2026-04-14. Review status: criteria provided, single submitter. Criteria: Genomenon Sequence Variant Interpretation Standards - Updated. Collection method: curation. Allele origin: germline. Affected: yes.
Comment: ABCB11 c.611+5G>A is an intronic variant located in the donor splice region of intron 7. This variant has been observed in at least one proband with an ABCB11-related disorder (PMID:33915153). It is absent or not present at a significant frequency in gnomAD. In silico models predict that this variant is possibly or probably damaging. In conclusion, we classify ABCB11 c.611+5G>A as a variant of uncertain significance.

Genomic Medicine Center of Excellence, King Faisal Specialist Hospital and Research Centre
Classification: Uncertain significance for Progressive familial intrahepatic cholestasis type 2. Last evaluated: 2024-03-17. Review status: criteria provided, single submitter. Criteria: ACMG Guidelines, 2015. Collection method: research. Allele origin: germline.

Literature cited by the submitters: PubMed 33915153 (cited by Genomenon, Inc).

NM_003742.4(ABCB11):c.611+5G>A

Gene: ABCB11 (ATP binding cassette subfamily B member 11; minus strand). Cytogenetic location: 2q31.1.
Variant type: single nucleotide variant.
Coding change: c.611+5G>A on transcript NM_003742.4 (MANE Select); 5 bases into the intron after coding-DNA position 611, G replaced by A.
Molecular consequence: intron variant.
Genome position (GRCh38, 1-based): chr2:168,995,344, C>T on the plus strand (G>A on the coding strand, the complement: ABCB11 is on the minus strand). VCF-style: chr2-168995344-C-T. GRCh37 (hg19) VCF-style: chr2-169851854-C-T.
Identifiers: ClinVar variation 3064179 (VCV003064179.3), dbSNP rs2545453433, ClinGen allele CA2586970419.